The following is an entry in ClinVar:

ClinVar aggregate classification (germline): Uncertain significance (1 of 4 stars; one submission).

Conditions:
Congenital myotonia, autosomal dominant form (THD). Also called: THOMSEN DISEASE; Myotonia congenita autosomal dominant. Identifiers: Orphanet 614, MedGen C2936781, MONDO:0008055, OMIM 160800.
Congenital myotonia, autosomal recessive form. Also called: BECKER DISEASE; Becker Generalized Myotonia; myotonia congenita, autosomal recessive. Identifiers: Orphanet 614, MedGen C0751360, MONDO:0009715, OMIM 255700.

Allele frequency attached by ClinVar (database versions not stated): gnomAD exomes below 0.00001.
gnomAD v4.1: 1 of 1,614,136 alleles (0.000062%); highest among the groups gnomAD compares: Non-Finnish European, 0.000085%; no homozygotes.

Submission:

Labcorp Genetics (formerly Invitae), Labcorp
Classification: Uncertain significance for Congenital myotonia, autosomal recessive form; Congenital myotonia, autosomal dominant form. Last evaluated: 2023-11-13. Review status: criteria provided, single submitter. Criteria: Invitae Variant Classification Sherloc (09022015). Collection method: clinical testing. Allele origin: germline.
Comment: This sequence change replaces valine, which is neutral and non-polar, with aspartic acid, which is acidic and polar, at codon 584 of the CLCN1 protein (p.Val584Asp). This variant is not present in population databases (gnomAD no frequency). This variant has not been reported in the literature in individuals affected with CLCN1-related conditions. Advanced modeling of protein sequence and biophysical properties (such as structural, functional, and spatial information, amino acid conservation, physicochemical variation, residue mobility, and thermodynamic stability) performed at Invitae indicates that this missense variant is expected to disrupt CLCN1 protein function with a positive predictive value of 95%. In summary, the available evidence is currently insufficient to determine the role of this variant in disease. Therefore, it has been classified as a Variant of Uncertain Significance.

NM_000083.3(CLCN1):c.1751T>A (p.Val584Asp)

Gene: CLCN1 (chloride voltage-gated channel 1; plus strand). Cytogenetic location: 7q34.
Variant type: single nucleotide variant.
Coding change: c.1751T>A on transcript NM_000083.3 (MANE Select); coding-DNA position 1751, T replaced by A.
Protein change: p.Val584Asp; replaces valine 584 with aspartic acid.
Molecular consequence: missense variant. On other transcripts: non-coding transcript variant (1).
Genome position (GRCh38, 1-based): chr7:143,342,097, T>A. VCF-style: chr7-143342097-T-A. GRCh37 (hg19) VCF-style: chr7-143039190-T-A.
Other names: short protein forms V584D.
Identifiers: ClinVar variation 2948897 (VCV002948897.3), dbSNP rs2487090573, ClinGen allele CA369646700.